The following is an entry in ClinVar:

ClinVar aggregate classification (germline): Pathogenic/Likely pathogenic. Review status: criteria provided, multiple submitters, no conflicts (2 of 4 stars). 6 submissions from 6 submitters: Pathogenic (1); Likely pathogenic (5). Last evaluated 2026-05-21.

Conditions:
Hereditary cancer-predisposing syndrome. Also called: Hereditary neoplastic syndrome; Tumor predisposition; Hereditary Cancer Syndrome; Neoplastic Syndromes, Hereditary. Identifiers: Orphanet 140162, MedGen C0027672, MeSH D009386, MONDO:0015356.
Familial cancer of breast. Also called: BREAST CANCER, FAMILIAL; hereditary breast carcinoma; Hereditary breast cancer. Identifiers: Orphanet 227535, MedGen C0346153, MONDO:0016419, OMIM 114480. Disease mechanism: loss of function.

gnomAD v4.1: 2 of 1,475,224 alleles (0.00014%); highest among the groups gnomAD compares: East Asian, 0.0023%; no homozygotes.

Submissions (6):

Ambry Genetics
Classification: Likely pathogenic for Hereditary cancer-predisposing syndrome. Last evaluated: 2026-05-21. Review status: criteria provided, single submitter. Criteria: Ambry Variant Classification Scheme 2023. Collection method: clinical testing. Allele origin: germline.
Comment: The c.846+1G>A intronic variant results from a G to A substitution one nucleotide after coding exon 6 of the CHEK2 gene. This nucleotide position is highly conserved in available vertebrate species. In silico splice site analysis predicts that this alteration will weaken the native splice donor site. RNA studies have demonstrated that this variant results in abnormal splicing in the set of samples tested (Ambry internal data). This variant is considered to be rare based on population cohorts in the Genome Aggregation Database (gnomAD). Alterations that disrupt the canonical splice site are expected to cause aberrant splicing, resulting in an abnormal protein or a transcript that is subject to nonsense-mediated mRNA decay. As such, this alteration is classified as likely pathogenic.

CeGaT Center for Human Genetics Tuebingen
Classification: Pathogenic. Last evaluated: 2025-08-01. Review status: criteria provided, single submitter. Criteria: CeGaT Center For Human Genetics Tuebingen Variant Classification Criteria Version 2. Collection method: clinical testing. Allele origin: germline. Affected: yes. Observed: 1 variant allele.
Comment: CHEK2: PS1, PM2, PS4:Moderate, PVS1:Moderate

Labcorp Genetics (formerly Invitae), Labcorp
Classification: Likely pathogenic for Familial cancer of breast. Last evaluated: 2025-03-17. Review status: criteria provided, single submitter. Criteria: Invitae Variant Classification Sherloc (09022015). Collection method: clinical testing. Allele origin: germline.
Comment: This sequence change affects a donor splice site in intron 7 of the CHEK2 gene. It is expected to disrupt RNA splicing. Variants that disrupt the donor or acceptor splice site typically lead to a loss of protein function (PMID: 16199547), and loss-of-function variants in CHEK2 are known to be pathogenic (PMID: 21876083, 24713400). This variant is not present in population databases (gnomAD no frequency). Disruption of this splice site has been observed in individual(s) with personal or family history of breast cancer, ovarian cancer and/or endometrial cancer (PMID: 26484312, 32805687, 35017683, 35534704, 35886069). This variant is also known as c.975+1G>A. ClinVar contains an entry for this variant (Variation ID: 428910). Algorithms developed to predict the effect of sequence changes on RNA splicing suggest that this variant may disrupt the consensus splice site. In summary, the currently available evidence indicates that the variant is pathogenic, but additional data are needed to prove that conclusively. Therefore, this variant has been classified as Likely Pathogenic.

Myriad Genetics, Inc.
Classification: Likely pathogenic for Familial cancer of breast. Last evaluated: 2023-06-27. Review status: criteria provided, single submitter. Criteria: Myriad Autosomal Dominant, Autosomal Recessive and X-Linked Classification Criteria (2023). Collection method: clinical testing. Allele origin: unknown.
Comment: This variant is considered likely pathogenic. This variant occurs within a consensus splice junction and is predicted to result in abnormal mRNA splicing of either an out-of-frame exon or an in-frame exon necessary for protein stability and/or normal function.

GeneDx
Classification: Likely pathogenic. Last evaluated: 2018-07-06. Review status: criteria provided, single submitter. Criteria: GeneDx Variant Classification (06012015). Collection method: clinical testing. Allele origin: germline. Affected: yes.
Comment: This variant is denoted CHEK2 c.846+1G>A or IVS7+1G>A and consists of a G>A nucleotidesubstitution at the +1 position of intron 7 of the CHEK2 gene. This variant destroys a canonical splice donor site and ispredicted to cause abnormal gene splicing, leading to either an abnormal message that is subject to nonsense-mediated mRNA decay or to an abnormal protein product. This variant has not, to our knowledge, been published inthe literature. Based on the currently available information, we consider CHEK2 c.846+1G>A to be a likely pathogenicvariant.

Academic Department of Medical Genetics, University of Cambridge
Classification: Likely pathogenic for Hereditary cancer-predisposing syndrome. Last evaluated: 2018-01-26. Review status: criteria provided, single submitter. Criteria: ACMG Guidelines, 2015. Collection method: research. Allele origin: germline. Affected: yes. Observed: 1 heterozygote.
Comment: Application of AMCG guidelines 2015. Used other ClinVar submission evidence where relevant. Loss of heterozygosity in tumours or immunohistochemistry abnormalities considered functional evidence of pathogenicity.

Identified as part of research study of individuals with multiple primary tumours referred for genetic assessment

Literature cited by the submitters: PubMed 26484312 (cited by Ambry Genetics and Labcorp Genetics (formerly Invitae), Labcorp); PubMed 29909963 (cited by Ambry Genetics); PubMed 16199547 (cited by Labcorp Genetics (formerly Invitae), Labcorp); PubMed 21876083 (cited by Labcorp Genetics (formerly Invitae), Labcorp); PubMed 24713400 (cited by Labcorp Genetics (formerly Invitae), Labcorp); PubMed 32805687 (cited by Labcorp Genetics (formerly Invitae), Labcorp); PubMed 35017683 (cited by Labcorp Genetics (formerly Invitae), Labcorp); PubMed 35534704 (cited by Labcorp Genetics (formerly Invitae), Labcorp); PubMed 35886069 (cited by Labcorp Genetics (formerly Invitae), Labcorp).

NM_007194.4(CHEK2):c.846+1G>A

Gene: CHEK2 (checkpoint kinase 2; minus strand). Cytogenetic location: 22q12.1.
Variant type: single nucleotide variant.
Coding change: c.846+1G>A on transcript NM_007194.4 (MANE Select); the canonical splice donor site of the intron after coding-DNA position 846, G replaced by A.
Molecular consequence: splice donor variant.
Genome position (GRCh38, 1-based): chr22:28,710,005, C>T on the plus strand (G>A on the coding strand, the complement: CHEK2 is on the minus strand). VCF-style: chr22-28710005-C-T. GRCh37 (hg19) VCF-style: chr22-29105993-C-T.
Other names: c.183+1G>A (NM_001437942.1, NM_001257387.3); c.645+1G>A (NM_001349956.3); c.846+1G>A (NM_145862.3); c.939+1G>A (NM_001438295.1, NM_001438293.1); c.975+1G>A (NM_001438294.1, NM_001005735.3).
Identifiers: ClinVar variation 428910 (VCV000428910.27), dbSNP rs864622149, ClinGen allele CA411102258.